The following is an entry in ClinVar:

ClinVar aggregate classification (germline): Uncertain significance (1 of 4 stars; one submission).

Submission:

Ambry Genetics
Classification: Uncertain significance. Last evaluated: 2025-06-28. Review status: criteria provided, single submitter. Criteria: Ambry Variant Classification Scheme 2023. Collection method: clinical testing. Allele origin: germline.
Comment: The p.S589I variant (also known as c.1766G>T), located in coding exon 12 of the RINT1 gene, results from a G to T substitution at nucleotide position 1766. The serine at codon 589 is replaced by isoleucine, an amino acid with dissimilar properties. This amino acid position is conserved. In addition, this alteration is predicted to be tolerated by in silico analysis. Based on the available evidence, the clinical significance of this variant remains unclear.

NM_021930.6(RINT1):c.1766G>T (p.Ser589Ile)

Gene: RINT1 (RAD50 interactor 1; plus strand). Cytogenetic location: 7q22.3.
Variant type: single nucleotide variant.
Coding change: c.1766G>T on transcript NM_021930.6 (MANE Select); coding-DNA position 1766, G replaced by T.
Protein change: p.Ser589Ile; replaces serine 589 with isoleucine.
Molecular consequence: missense variant. On other transcripts: non-coding transcript variant (1).
Genome position (GRCh38, 1-based): chr7:105,563,827, G>T. VCF-style: chr7-105563827-G-T. GRCh37 (hg19) VCF-style: chr7-105204274-G-T.
Other names: c.1532G>T, p.Ser511Ile (NM_001346599.2); c.743G>T, p.Ser248Ile (NM_001346600.2, NM_001346603.2); c.842G>T, p.Ser281Ile (NM_001346601.2); short protein forms S248I, S589I, S281I, S511I.
Identifiers: ClinVar variation 4154602 (VCV004154602.1).